The following is an entry in ClinVar:

ClinVar aggregate classification (germline): Uncertain significance (1 of 4 stars; one submission).

Conditions:
Hypercholesterolemia, autosomal dominant, 3 (FHCL3). Also called: Familial Hypercholesterolemia, Autosomal Dominant, 3; PCSK9-Related Familial Hypercholesterolemia, Autosomal Dominant; Familial hypercholesterolemia 3. Identifiers: MedGen C1863551, MONDO:0011369, OMIM 603776.

Submission:

All of Us Research Program, National Institutes of Health
Classification: Uncertain significance for Hypercholesterolemia, autosomal dominant, 3. Last evaluated: 2024-08-06. Review status: criteria provided, single submitter. Criteria: ACMG Guidelines, 2015. Collection method: clinical testing. Allele origin: germline. Inheritance: Autosomal dominant inheritance. Observed: 1 variant allele, 1 heterozygote.
Comment: This study involves interpretation of variants in research participants for the purpose of population health screening. Participant phenotype was not available at the time of variant classification. Additional details can be found in publication PMID: 35346344, PMCID: PMC8962531

NM_174936.4(PCSK9):c.1394C>A (p.Ser465Ter)

Gene: PCSK9 (proprotein convertase subtilisin/kexin type 9; plus strand). Cytogenetic location: 1p32.3.
Variant type: single nucleotide variant.
Coding change: c.1394C>A on transcript NM_174936.4 (MANE Select); coding-DNA position 1394, C replaced by A.
Protein change: p.Ser465Ter; replaces serine 465 with a stop codon.
Molecular consequence: nonsense. On other transcripts: non-coding transcript variant (8), intron variant (1).
Genome position (GRCh38, 1-based): chr1:55,058,538, C>A. VCF-style: chr1-55058538-C-A. GRCh37 (hg19) VCF-style: chr1-55524211-C-A.
Other names: c.1517C>A, p.Ser506Ter (NM_001407240.1); c.1394C>A, p.Ser465Ter (NM_001407241.1); c.1397C>A, p.Ser466Ter (NM_001407242.1); c.1337C>A, p.Ser446Ter (NM_001407243.1); c.1220C>A, p.Ser407Ter (NM_001407244.1); c.1202C>A, p.Ser401Ter (NM_001407245.1); c.1019C>A, p.Ser340Ter (NM_001407246.1); c.1180+1024C>A (NM_001407247.1); short protein forms S340*, S401*, S407*, S446*, S465*, S466*, S506*.
Identifiers: ClinVar variation 3387453 (VCV003387453.1).
Genomic context (GRCh38, chr1:55,058,538, plus strand): 5'-CATCCCAGGCCCTTTTTGCAGGTTGGCAGCTGTTTTGCAGGACTGTATGGTCAGCACACT[C>A]GGGGCCTACACGGATGGCCACAGCCGTCGCCCGCTGCGCCCCAGATGAGGAGCTGCTGAG-3'